The following is an entry in ClinVar:

ClinVar aggregate classification (germline): Pathogenic/Likely pathogenic. Review status: criteria provided, multiple submitters, no conflicts (2 of 4 stars). 2 submissions from 2 submitters: Pathogenic (1); Likely pathogenic (1). Last evaluated 2024-06-28.

Conditions:
Corneal dystrophy-perceptive deafness syndrome (CDPD). Also called: CORNEAL DYSTROPHY AND SENSORINEURAL DEAFNESS; HARBOYAN SYNDROME. Identifiers: Orphanet 1490, MedGen C1857572, MONDO:0009015, OMIM 217400.

Allele frequency attached by ClinVar (database versions not stated): gnomAD exomes 0.00001.

Submissions (2):

Natera, Inc.
Classification: Likely pathogenic for Corneal dystrophy-perceptive deafness syndrome. Last evaluated: 2024-06-28. Review status: criteria provided, single submitter. Criteria: Natera Variant Classification Schema (03/2026). Collection method: clinical testing. Allele origin: germline.
Comment: The c.560dup variant in SLC4A11 is a frameshift variant predicted to shift the reading frame beginning at codon 187 and leads to a stop codon 4 codons downstream. This variant is expected to result in nonsense mediated decay, truncation, or a dysfunctional protein product. This variant is rare in the general population with a frequency below the threshold expected for the associated phenotype(s). Given the available evidence, this variant is classified as Likely Pathogenic.

Labcorp Genetics (formerly Invitae), Labcorp
Classification: Pathogenic. Last evaluated: 2023-06-24. Review status: criteria provided, single submitter. Criteria: Invitae Variant Classification Sherloc (09022015). Collection method: clinical testing. Allele origin: germline.
Comment: This sequence change creates a premature translational stop signal (p.Met187Ilefs*4) in the SLC4A11 gene. It is expected to result in an absent or disrupted protein product. Loss-of-function variants in SLC4A11 are known to be pathogenic (PMID: 17220209, 17679935). This variant is not present in population databases (gnomAD no frequency). This variant has not been reported in the literature in individuals affected with SLC4A11-related conditions. ClinVar contains an entry for this variant (Variation ID: 1072106). For these reasons, this variant has been classified as Pathogenic.

Literature cited by the submitters: PubMed 17220209 (cited by Labcorp Genetics (formerly Invitae), Labcorp); PubMed 17679935 (cited by Labcorp Genetics (formerly Invitae), Labcorp).

NM_001174089.2(SLC4A11):c.512dup (p.Met171fs)

Gene: SLC4A11 (solute carrier family 4 member 11; minus strand). Cytogenetic location: 20p13.
Variant type: Duplication.
Coding change: c.512dup on transcript NM_001174089.2 (MANE Select); coding-DNA position 512, one base duplicated (T; older notation c.512dupT).
Protein change: p.Met171fs; shifts the reading frame from methionine 171.
Molecular consequence: frameshift variant. On other transcripts: non-coding transcript variant (1).
Genome position (GRCh38, 1-based): chr20:3,234,094, A duplicated on the plus strand (T on the coding strand, the reverse complement: SLC4A11 is on the minus strand). VCF-style (leftmost placement, unchanged base first): chr20-3234093-C-CA. GRCh37 (hg19) VCF-style: chr20-3214739-C-CA.
Other names: c.641dup, p.Met214fs (NM_001174090.2); c.512dup, p.Met171fs (NM_001363745.2); c.560dup, p.Met187fs (NM_032034.4); c.560dup (NM_032034.3); short protein forms M171fs, M187fs, M214fs.
Identifiers: ClinVar variation 1072106 (VCV001072106.8), dbSNP rs2122598564, ClinGen allele CA2499225701.
Genomic context (GRCh38, chr20:3,234,093, plus strand): 5'-GTCAACAGCCCCTCCCAACGCCCCCGCCCGGGCCGGGAGACCGGCCTCACCTTTACCCCG[C>CA]ATGGGTGCCCCGGCATCGGTGAAGAGCATGGCCATGAGCAGGTCCAGGTTGCAGTTGGGC-3'